The following is an entry in ClinVar:

NM_000264.5(PTCH1):c.2824C>G (p.Arg942Gly)

Gene: PTCH1 (patched 1; minus strand). Cytogenetic location: 9q22.32.
Variant type: single nucleotide variant.
Coding change: c.2824C>G on transcript NM_000264.5 (MANE Select); coding-DNA position 2824, C replaced by G.
Protein change: p.Arg942Gly; replaces arginine 942 with glycine.
Molecular consequence: missense variant. On other transcripts: non-coding transcript variant (1).
Genome position (GRCh38, 1-based): chr9:95,459,663, G>C on the plus strand (C>G on the coding strand, the complement: PTCH1 is on the minus strand). VCF-style: chr9-95459663-G-C. GRCh37 (hg19) VCF-style: chr9-98221945-G-C.
Other names: c.2626C>G, p.Arg876Gly (NM_001083602.3); c.2821C>G, p.Arg941Gly (NM_001083603.3); c.2371C>G, p.Arg791Gly (NM_001083604.3, NM_001083605.3, NM_001083606.3 and 1 more transcripts); c.2668C>G, p.Arg890Gly (NM_001354918.2); short protein forms R791G, R876G, R890G, R941G, R942G.
Identifiers: ClinVar variation 1010890 (VCV001010890.9), dbSNP rs756465236, ClinGen allele CA374113002.

ClinVar aggregate classification (germline): Uncertain significance (1 of 4 stars; one submission).

Conditions:
Gorlin syndrome. Also called: Nevoid Basal Cell Carcinoma Syndrome; Basal cell nevus syndrome. Identifiers: Orphanet 377, MedGen C0004779, MONDO:0007187.

gnomAD v4.1: 1 of 1,614,168 alleles (0.000062%); highest among the groups gnomAD compares: Middle Eastern, 0.017%; no homozygotes.

Submission:

Labcorp Genetics (formerly Invitae), Labcorp
Classification: Uncertain significance for Gorlin syndrome. Last evaluated: 2022-09-01. Review status: criteria provided, single submitter. Criteria: Invitae Variant Classification Sherloc (09022015). Collection method: clinical testing. Allele origin: germline.
Comment: In summary, the available evidence is currently insufficient to determine the role of this variant in disease. Therefore, it has been classified as a Variant of Uncertain Significance. Advanced modeling of protein sequence and biophysical properties (such as structural, functional, and spatial information, amino acid conservation, physicochemical variation, residue mobility, and thermodynamic stability) performed at Invitae indicates that this missense variant is not expected to disrupt PTCH1 protein function. ClinVar contains an entry for this variant (Variation ID: 1010890). This variant has not been reported in the literature in individuals affected with PTCH1-related conditions. This variant is not present in population databases (gnomAD no frequency). This sequence change replaces arginine, which is basic and polar, with glycine, which is neutral and non-polar, at codon 942 of the PTCH1 protein (p.Arg942Gly).